The following is an entry in ClinVar:

ClinVar aggregate classification (germline): Uncertain significance (1 of 4 stars; one submission).

Conditions:
Immunodeficiency-centromeric instability-facial anomalies syndrome 4 (ICF4). Identifiers: Orphanet 2268, MedGen C4310798, MONDO:0014829, OMIM 616911.

Submission:

Clinical Genetics Laboratory, University Hospital Schleswig-Holstein
Classification: Uncertain significance for Immunodeficiency-centromeric instability-facial anomalies syndrome 4. Last evaluated: 2025-12-09. Review status: criteria provided, single submitter. Criteria: ACMG Guidelines, 2015. Collection method: clinical testing. Allele origin: biparental. Affected: yes. Observed: 1 homozygote.
Comment: ACMG criteria applied: PM2, PP3

NM_018063.5(HELLS):c.1151C>T (p.Thr384Ile)

Gene: HELLS (helicase, lymphoid specific; plus strand). Cytogenetic location: 10q23.33.
Variant type: single nucleotide variant.
Coding change: c.1151C>T on transcript NM_018063.5 (MANE Select); coding-DNA position 1151, C replaced by T.
Protein change: p.Thr384Ile; replaces threonine 384 with isoleucine.
Molecular consequence: missense variant. On other transcripts: intron variant (3).
Genome position (GRCh38, 1-based): chr10:94,581,444, C>T. VCF-style: chr10-94581444-C-T. GRCh37 (hg19) VCF-style: chr10-96341201-C-T.
Other names: c.1151C>T, p.Thr384Ile (NM_001289067.2); c.1103C>T, p.Thr368Ile (NM_001289068.2); c.1055C>T, p.Thr352Ile (NM_001289069.2); c.779C>T, p.Thr260Ile (NM_001289071.2); c.737C>T, p.Thr246Ile (NM_001289073.2); c.68C>T, p.Thr23Ile (NM_001289074.2); c.12-1519C>T (NM_001289075.2); c.1032+4639C>T (NM_001289070.2); and 1 more; short protein forms T260I, T352I, T23I, T368I, T384I, T246I.
Identifiers: ClinVar variation 4891535 (VCV004891535.1).